The following is an entry in ClinVar:

ClinVar aggregate classification (germline): Likely benign. Review status: criteria provided, multiple submitters, no conflicts (2 of 4 stars). 3 submissions from 3 submitters: Likely benign (3). Last evaluated 2026-07-09.

Conditions:
Bardet-Biedl syndrome (BBS). Identifiers: Orphanet 110, MedGen C0752166, MONDO:0015229.
BBS12-related disorder. Also called: BBS12-related condition.

Submissions (3):

PreventionGenetics, part of Exact Sciences
Classification: Likely benign for BBS12-related condition. Last evaluated: 2026-07-09. Review status: criteria provided, single submitter. Criteria: ACMG Guidelines, 2015. Collection method: clinical testing. Allele origin: germline.
Comment: This variant is classified as likely benign based on ACMG/AMP sequence variant interpretation guidelines (Richards et al. 2015 PMID: 25741868, with internal and published modifications).

Labcorp Genetics (formerly Invitae), Labcorp
Classification: Likely benign for Bardet-Biedl syndrome. Last evaluated: 2025-12-01. Review status: criteria provided, single submitter. Criteria: Invitae Variant Classification Sherloc (09022015). Collection method: clinical testing. Allele origin: germline.

Blueprint Genetics
Classification: Likely benign. Last evaluated: 2021-12-23. Review status: criteria provided, single submitter. Criteria: ACMG Guidelines, 2015. Collection method: clinical testing. Allele origin: germline.

NM_152618.3(BBS12):c.1407C>T (p.Val469=)

Gene: BBS12 (Bardet-Biedl syndrome 12; plus strand). Cytogenetic location: 4q27.
Variant type: single nucleotide variant.
Coding change: c.1407C>T on transcript NM_152618.3 (MANE Select); coding-DNA position 1407, C replaced by T.
Protein change: p.Val469=; no amino-acid change (valine 469 retained).
Molecular consequence: synonymous variant.
Genome position (GRCh38, 1-based): chr4:122,743,299, C>T. VCF-style: chr4-122743299-C-T. GRCh37 (hg19) VCF-style: chr4-123664454-C-T.
Other names: c.1407C>T, p.Val469= (NM_001178007.2); c.1407C>T (NM_152618.2).
Identifiers: ClinVar variation 2983207 (VCV002983207.5), dbSNP rs1800921145, ClinGen allele CA441121111.